The following is an entry in ClinVar:

ClinVar aggregate classification (germline): Likely benign. Review status: criteria provided, multiple submitters, no conflicts (2 of 4 stars). 3 submissions from 3 submitters: Likely benign (3). Last evaluated 2025-07-15.

Conditions:
CRB1-related disorder. Also called: CRB1-related condition; CRB1-related disorders.
Leber congenital amaurosis 8 (LCA8). Identifiers: Orphanet 65, MedGen C3151202, MONDO:0013453, OMIM 613835.
Retinitis pigmentosa 12 (RP12). Also called: RP WITH OR WITHOUT PPRPE; RP WITH OR WITHOUT PRESERVED PARAARTERIOLE RETINAL PIGMENT EPITHELIUM; RETINITIS PIGMENTOSA WITH OR WITHOUT PARAARTERIOLAR PRESERVATION OF RETINAL PIGMENT EPITHELIUM. Identifiers: Orphanet 791, MedGen C1838647, MONDO:0010818, OMIM 600105.

Allele frequency attached by ClinVar (database versions not stated): gnomAD exomes below 0.00001 and 0.00001; ExAC 0.00001; gnomAD 0.00001; TOPMed 0.00001.
gnomAD v4.1: 10 of 1,614,114 alleles (0.00062%); highest among the groups gnomAD compares: Non-Finnish European, 0.00085%; no homozygotes.

Submissions (3):

PreventionGenetics, part of Exact Sciences
Classification: Likely benign for CRB1-related condition. Last evaluated: 2025-07-15. Review status: criteria provided, single submitter. Criteria: ACMG Guidelines, 2015. Collection method: clinical testing. Allele origin: germline.
Comment: This variant is classified as likely benign based on ACMG/AMP sequence variant interpretation guidelines (Richards et al. 2015 PMID: 25741868, with internal and published modifications).

Blueprint Genetics
Classification: Likely benign. Last evaluated: 2024-01-23. Review status: criteria provided, single submitter. Criteria: ACMG Guidelines, 2015. Collection method: clinical testing. Allele origin: germline.

Labcorp Genetics (formerly Invitae), Labcorp
Classification: Likely benign for Leber congenital amaurosis 8; Retinitis pigmentosa 12. Last evaluated: 2023-12-18. Review status: criteria provided, single submitter. Criteria: Invitae Variant Classification Sherloc (09022015). Collection method: clinical testing. Allele origin: germline.

NM_201253.3(CRB1):c.2022T>C (p.Asp674=)

Gene: CRB1 (crumbs cell polarity complex component 1; plus strand). Cytogenetic location: 1q31.3.
Variant type: single nucleotide variant.
Coding change: c.2022T>C on transcript NM_201253.3 (MANE Select); coding-DNA position 2022, T replaced by C.
Protein change: p.Asp674=; no amino-acid change (aspartic acid 674 retained).
Molecular consequence: synonymous variant. On other transcripts: non-coding transcript variant (2).
Genome position (GRCh38, 1-based): chr1:197,421,850, T>C. VCF-style: chr1-197421850-T-C. GRCh37 (hg19) VCF-style: chr1-197390980-T-C.
Other names: c.1686T>C, p.Asp562= (NM_001193640.2); c.1815T>C, p.Asp605= (NM_001257965.2); c.2022T>C, p.Asp674= (NM_001257966.2); c.2022T>C (NM_201253.2).
Identifiers: ClinVar variation 1537427 (VCV001537427.10), dbSNP rs763534239, ClinGen allele CA1312020.